The following is an entry in ClinVar:

ClinVar aggregate classification (germline): Uncertain significance (1 of 4 stars; one submission).

Conditions:
Cornelia de Lange syndrome 1 (CDLS1). Also called: Brachmann de Lange syndrome; NIPBL-Related Cornelia de Lange Syndrome; TYPUS DEGENERATIVUS AMSTELODAMENSIS. Identifiers: Orphanet 199, MedGen C4551851, MONDO:0007387, OMIM 122470.

Allele frequency attached by ClinVar (database versions not stated): gnomAD exomes below 0.00001; TOPMed below 0.00001.

Submission:

Labcorp Genetics (formerly Invitae), Labcorp
Classification: Uncertain significance for Cornelia de Lange syndrome 1. Last evaluated: 2022-11-02. Review status: criteria provided, single submitter. Criteria: Invitae Variant Classification Sherloc (09022015). Collection method: clinical testing. Allele origin: germline.
Comment: This sequence change replaces methionine, which is neutral and non-polar, with isoleucine, which is neutral and non-polar, at codon 344 of the NIPBL protein (p.Met344Ile). In summary, the available evidence is currently insufficient to determine the role of this variant in disease. Therefore, it has been classified as a Variant of Uncertain Significance. Algorithms developed to predict the effect of missense changes on protein structure and function (SIFT, PolyPhen-2, Align-GVGD) all suggest that this variant is likely to be tolerated. This variant has not been reported in the literature in individuals affected with NIPBL-related conditions. This variant is present in population databases (no rsID available, gnomAD 0.006%).

NM_133433.4(NIPBL):c.1032G>A (p.Met344Ile)

Gene: NIPBL (NIPBL cohesin loading factor; plus strand). Cytogenetic location: 5p13.2.
Variant type: single nucleotide variant.
Coding change: c.1032G>A on transcript NM_133433.4 (MANE Select); coding-DNA position 1032, G replaced by A.
Protein change: p.Met344Ile; replaces methionine 344 with isoleucine.
Molecular consequence: missense variant.
Genome position (GRCh38, 1-based): chr5:36,975,939, G>A. VCF-style: chr5-36975939-G-A. GRCh37 (hg19) VCF-style: chr5-36976041-G-A.
Other names: c.1032G>A, p.Met344Ile (NM_015384.5); short protein forms M344I.
Identifiers: ClinVar variation 2883095 (VCV002883095.3), dbSNP rs1361911394, ClinGen allele CA359483655.